The following is an entry in ClinVar:

ClinVar aggregate classification (germline): Uncertain significance. Review status: criteria provided, multiple submitters, no conflicts (2 of 4 stars). 3 submissions from 3 submitters: Uncertain significance (3). Last evaluated 2025-09-11.

Conditions:
Focal segmental glomerulosclerosis 4, susceptibility to (FSGS4). Identifiers: Orphanet 84271, MedGen C2675525, MONDO:0012931, OMIM 612551.

Allele frequency attached by ClinVar (database versions not stated): ESP Exome Variant Server 0.00008; gnomAD 0.00008; TOPMed 0.00010.
gnomAD v4.1: 114 of 1,613,996 alleles (0.0071%); highest among the groups gnomAD compares: Admixed American, 0.013%; no homozygotes.

Submissions (3):

Ambry Genetics
Classification: Uncertain significance. Last evaluated: 2025-09-11. Review status: criteria provided, single submitter. Criteria: Ambry Variant Classification Scheme 2023. Collection method: clinical testing. Allele origin: germline.

Labcorp Genetics (formerly Invitae), Labcorp
Classification: Uncertain significance. Last evaluated: 2024-04-18. Review status: criteria provided, single submitter. Criteria: Invitae Variant Classification Sherloc (09022015). Collection method: clinical testing. Allele origin: germline.
Comment: This sequence change replaces glutamic acid, which is acidic and polar, with glutamine, which is neutral and polar, at codon 323 of the APOL1 protein (p.Glu323Gln). This variant is present in population databases (rs200395416, gnomAD 0.02%). This variant has not been reported in the literature in individuals affected with APOL1-related conditions. ClinVar contains an entry for this variant (Variation ID: 1357869). An algorithm developed to predict the effect of missense changes on protein structure and function (PolyPhen-2) suggests that this variant is likely to be disruptive. In summary, the available evidence is currently insufficient to determine the role of this variant in disease. Therefore, it has been classified as a Variant of Uncertain Significance.

Fulgent Genetics
Classification: Uncertain significance for Focal segmental glomerulosclerosis 4, susceptibility to. Last evaluated: 2022-04-25. Review status: criteria provided, single submitter. Criteria: ACMG Guidelines, 2015. Collection method: clinical testing. Allele origin: unknown.

NM_003661.4(APOL1):c.967G>C (p.Glu323Gln)

Gene: APOL1 (apolipoprotein L1; plus strand). Cytogenetic location: 22q12.3.
Variant type: single nucleotide variant.
Coding change: c.967G>C on transcript NM_003661.4 (MANE Select); coding-DNA position 967, G replaced by C.
Protein change: p.Glu323Gln; replaces glutamic acid 323 with glutamine.
Molecular consequence: missense variant.
Genome position (GRCh38, 1-based): chr22:36,265,803, G>C. VCF-style: chr22-36265803-G-C. GRCh37 (hg19) VCF-style: chr22-36661849-G-C.
Other names: c.967G>C (NM_003661.3); c.967G>C, p.Glu323Gln (NM_001136540.2); c.913G>C, p.Glu305Gln (NM_001136541.2, NM_001362927.2); c.1015G>C, p.Glu339Gln (NM_145343.3); short protein forms E305Q, E323Q, E339Q.
Identifiers: ClinVar variation 1357869 (VCV001357869.10), dbSNP rs200395416, ClinGen allele CA10208797.
Genomic context (GRCh38, chr22:36,265,803, plus strand): 5'-CGCCCCCGGGTCACTGAGCCAATCTCAGCTGAAAGCGGTGAACAGGTGGAGAGGGTTAAT[G>C]AACCCAGCATCCTGGAAATGAGCAGAGGAGTCAAGCTCACGGATGTGGCCCCTGTAAGCT-3'
Protein context (NP_003652.2, residues 313-333): ESGEQVERVN[Glu323Gln]PSILEMSRGV